The following is an entry in ClinVar:

ClinVar aggregate classification (germline): Conflicting classifications of pathogenicity. Review status: criteria provided, conflicting classifications (1 of 4 stars). 3 submissions from 3 submitters: Likely pathogenic (1); Uncertain significance (2). Last evaluated 2023-11-13.

Conditions:
Hereditary nonpolyposis colorectal neoplasms. Identifiers: MedGen C0009405, MeSH D003123.
Hereditary cancer-predisposing syndrome. Also called: Hereditary Cancer Syndrome; Hereditary neoplastic syndrome; Neoplastic Syndromes, Hereditary; Tumor predisposition. Identifiers: Orphanet 140162, MedGen C0027672, MeSH D009386, MONDO:0015356.
Lynch syndrome. Identifiers: Orphanet 144, MedGen C4552100, MONDO:0005835. Disease mechanism: loss of function.

Submissions (3):

Ambry Genetics
Classification: Likely pathogenic for Hereditary cancer-predisposing syndrome. Last evaluated: 2023-11-13. Review status: criteria provided, single submitter. Criteria: Ambry Variant Classification Scheme 2023. Collection method: clinical testing. Allele origin: germline.
Comment: The p.G74R variant (also known as c.220G>A), located in coding exon 3 of the PMS2 gene, results from a G to A substitution at nucleotide position 220. The glycine at codon 74 is replaced by arginine, an amino acid with dissimilar properties. Another alteration with a different nucleotide change but the same amino acid change, c.220G>C (p.G74R), has been reported as likely pathogenic due to it being identified in individuals whose colorectal tumors displayed high microsatellite instability (MSI-H) with either absent or weak PMS2 staining on immunohistochemistry (IHC) and an internal structural assessment determined p.G74R causes significant structural destabilization of the ATPase domain (Ambry internal data). This amino acid position is highly conserved in available vertebrate species. In addition, this alteration is predicted to be deleterious by in silico analysis. Based on the majority of available evidence to date, this variant is likely to be pathogenic.

Labcorp Genetics (formerly Invitae), Labcorp
Classification: Uncertain significance for Hereditary nonpolyposis colorectal neoplasms. Last evaluated: 2021-12-20. Review status: criteria provided, single submitter. Criteria: Invitae Variant Classification Sherloc (09022015). Collection method: clinical testing. Allele origin: germline.
Comment: In summary, the available evidence is currently insufficient to determine the role of this variant in disease. Therefore, it has been classified as a Variant of Uncertain Significance. Advanced modeling of protein sequence and biophysical properties (such as structural, functional, and spatial information, amino acid conservation, physicochemical variation, residue mobility, and thermodynamic stability) performed at Invitae indicates that this missense variant is expected to disrupt PMS2 protein function. ClinVar contains an entry for this variant (Variation ID: 455692). This missense change has been observed in individual(s) with clinical features of PMS2-related conditions (Invitae). This variant is not present in population databases (gnomAD no frequency). This sequence change replaces glycine, which is neutral and non-polar, with arginine, which is basic and polar, at codon 74 of the PMS2 protein (p.Gly74Arg).

University of Washington Department of Laboratory Medicine, University of Washington
Classification: Uncertain significance for Lynch syndrome. Last evaluated: 2018-05-01. Review status: criteria provided, single submitter. Criteria: Shirts BH et al. (Am J Hum Genet 2018). Collection method: clinical testing. Allele origin: somatic. Affected: yes.
Comment: PMS2 NM_000535.5:c.220G>A has a 60.9% probability of pathogenicity based on combining prior probability from public data with a likelihood ratio of 1.56 to 1, generated from evidence of seeing this as a somatic mutation in a tumor without loss of heterozygosity at the PMS2 locus. See Shirts et al 2018, PMID 29887214.

NM_000535.7(PMS2):c.220G>A (p.Gly74Arg)

Gene: PMS2 (PMS1 homolog 2, mismatch repair system component; minus strand). Cytogenetic location: 7p22.1.
Variant type: single nucleotide variant.
Coding change: c.220G>A on transcript NM_000535.7 (MANE Select); coding-DNA position 220, G replaced by A.
Protein change: p.Gly74Arg; replaces glycine 74 with arginine.
Molecular consequence: missense variant. On other transcripts: 5 prime UTR variant (9), nonsense (2), non-coding transcript variant (1).
Genome position (GRCh38, 1-based): chr7:6,004,002, C>T on the plus strand (G>A on the coding strand, the complement: PMS2 is on the minus strand). VCF-style: chr7-6004002-C-T. GRCh37 (hg19) VCF-style: chr7-6043633-C-T.
Other names: c.-186G>A (NM_001322003.2, NM_001322004.2, NM_001322005.2 and 3 more transcripts); c.220G>A, p.Gly74Arg (NM_001322006.2, NM_001322014.2); c.5G>A, p.Trp2Ter (NM_001322007.2, NM_001322008.2); c.-665G>A (NM_001322011.2, NM_001322012.2); c.-265G>A (NM_001322015.2); short protein forms G74R, W2*.
Identifiers: ClinVar variation 455692 (VCV000455692.12), dbSNP rs1554304979, ClinGen allele CA366744818.